The following is an entry in ClinVar:

NM_002055.5(GFAP):c.1169G>A (p.Arg390Gln)

Gene: GFAP (glial fibrillary acidic protein; minus strand). Cytogenetic location: 17q21.31.
Variant type: single nucleotide variant.
Coding change: c.1169G>A on transcript NM_002055.5 (MANE Select); coding-DNA position 1169, G replaced by A.
Protein change: p.Arg390Gln; replaces arginine 390 with glutamine.
Molecular consequence: missense variant.
Genome position (GRCh38, 1-based): chr17:44,910,617, C>T on the plus strand (G>A on the coding strand, the complement: GFAP is on the minus strand). VCF-style: chr17-44910617-C-T. GRCh37 (hg19) VCF-style: chr17-42987985-C-T.
Other names: c.1169G>A, p.Arg390Gln (NM_001131019.3, NM_001242376.3, NM_001363846.2); short protein forms R390Q.
Identifiers: ClinVar variation 1977712 (VCV001977712.5), dbSNP rs1333731884, ClinGen allele CA399842075.

ClinVar aggregate classification (germline): Uncertain significance (1 of 4 stars; one submission).

gnomAD v4.1: 14 of 1,578,546 alleles (0.00089%); highest among the groups gnomAD compares: South Asian, 0.0046%; no homozygotes.

Submission:

Labcorp Genetics (formerly Invitae), Labcorp
Classification: Uncertain significance. Last evaluated: 2023-08-04. Review status: criteria provided, single submitter. Criteria: Invitae Variant Classification Sherloc (09022015). Collection method: clinical testing. Allele origin: germline.
Comment: In summary, the available evidence is currently insufficient to determine the role of this variant in disease. Therefore, it has been classified as a Variant of Uncertain Significance. An algorithm developed to predict the effect of missense changes on protein structure and function (PolyPhen-2) suggests that this variant is likely to be disruptive. ClinVar contains an entry for this variant (Variation ID: 1977712). This variant has not been reported in the literature in individuals affected with GFAP-related conditions. This variant is present in population databases (no rsID available, gnomAD 0.004%). This sequence change replaces arginine, which is basic and polar, with glutamine, which is neutral and polar, at codon 390 of the GFAP protein (p.Arg390Gln).